The following is an entry in ClinVar:

ClinVar aggregate classification (germline): Pathogenic. Review status: criteria provided, multiple submitters, no conflicts (2 of 4 stars). 2 submissions from 2 submitters: Pathogenic (2). Last evaluated 2026-05-30.

Conditions:
Neurofibromatosis, type 1 (NF1). Also called: VON RECKLINGHAUSEN DISEASE; NEUROFIBROMATOSIS, TYPE I, SOMATIC; Peripheral type neurofibromatosis; Neurofibromatosis, type I. Identifiers: Orphanet 636, MedGen C0027831, MONDO:0018975, OMIM 162200. Disease mechanism: loss of function.

Submissions (2):

NHS Central & South Genomic Laboratory Hub
Classification: Pathogenic for Neurofibromatosis type 1. Last evaluated: 2026-05-30. Review status: criteria provided, single submitter. Criteria: ACMG Guidelines, 2015. Collection method: clinical testing. Allele origin: germline. Affected: yes.

Labcorp Genetics (formerly Invitae), Labcorp
Classification: Pathogenic for Neurofibromatosis, type 1. Last evaluated: 2018-09-05. Review status: criteria provided, single submitter. Criteria: Invitae Variant Classification Sherloc (09022015). Collection method: clinical testing. Allele origin: germline.
Comment: This variant is not present in population databases (ExAC no frequency). This sequence change creates a premature translational stop signal (p.Arg758*) in the NF1 gene. It is expected to result in an absent or disrupted protein product. This variant has not been reported in the literature in individuals with NF1-related disease. For these reasons, this variant has been classified as Pathogenic. Loss-of-function variants in NF1 are known to be pathogenic (PMID: 10712197, 23913538).

Literature cited by the submitters: PubMed 10712197 (cited by Labcorp Genetics (formerly Invitae), Labcorp); PubMed 23913538 (cited by Labcorp Genetics (formerly Invitae), Labcorp).

NM_001042492.3(NF1):c.2272A>T (p.Arg758Ter)

Gene: NF1 (neurofibromin 1; plus strand). Cytogenetic location: 17q11.2.
Variant type: single nucleotide variant.
Coding change: c.2272A>T on transcript NM_001042492.3 (MANE Select); coding-DNA position 2272, A replaced by T.
Protein change: p.Arg758Ter; replaces arginine 758 with a stop codon.
Molecular consequence: nonsense.
Genome position (GRCh38, 1-based): chr17:31,227,238, A>T. VCF-style: chr17-31227238-A-T. GRCh37 (hg19) VCF-style: chr17-29554256-A-T.
Other names: c.2272A>T, p.Arg758Ter (NM_000267.4); short protein forms R758*.
Identifiers: ClinVar variation 639102 (VCV000639102.6), dbSNP rs777759192, ClinGen allele CA398982739.
Genomic context (GRCh38, chr17:31,227,238, plus strand): 5'-TCTAAGTGCAGTAACTTGATTTGCTGTTGTATTTGCTTAGGAAGAGCAGCACTTCAGAAA[A>T]GAGTGATGGCACTGCTGAGGCGCATTGAGCATCCCACTGCAGGAAACACTGAGGTATGCC-3'